The following is an entry in ClinVar:

ClinVar aggregate classification (germline): Uncertain significance. Review status: reviewed by expert panel (3 of 4 stars). 6 submissions from 6 submitters: Uncertain significance (1). 5 of the submissions do not count toward it. Last evaluated 2020-06-26.

Conditions:
PAH-related disorder. Also called: PAH-related condition.
Phenylketonuria (PKU). Also called: Phenylketonuria (PKU); FOLLING DISEASE; OLIGOPHRENIA PHENYLPYRUVICA; Phenylketonurias. Identifiers: Orphanet 716, MedGen C0031485, MONDO:0009861, OMIM 261600. Disease mechanism: loss of function.

Allele frequency attached by ClinVar (database versions not stated): gnomAD exomes below 0.00001.

Submissions (6):

ClinGen PAH Variant Curation Expert Panel
Classification: Uncertain significance for Phenylketonuria. Last evaluated: 2020-06-26. Review status: reviewed by expert panel. Criteria: ClinGen PAH ACMG Specifications v1. Collection method: curation. Allele origin: germline. Inheritance: Autosomal recessive inheritance.
Comment: The c.682G>A (p.Glu228Lys) variant in PAH has been reported in 1 individual with classic PKU detected with c.1066-11G>A. (PMID: 26666653). This variant has extremely low frequency in gnomAD. Multiple lines of computational evidence support a deleterious effect. In summary, this variant meets criteria to be classified as uncertain significance for PAH. PAH-specific ACMG/AMP criteria applied: PP4, PM2, PM3-supporting, PP3.

Myriad Genetics, Inc.
Classification: Likely pathogenic for Phenylketonuria. Last evaluated: 2026-06-18. Review status: criteria provided, single submitter. Criteria: Myriad Autosomal Dominant, Autosomal Recessive and X-Linked Classification Criteria (2023). Collection method: clinical testing. Allele origin: unknown. Not counted in ClinVar's aggregate classification.
Comment: NM_000277.1(PAH):c.682G>A(E228K) is a missense variant classified as likely pathogenic in the context of phenylalanine hydroxylase deficiency. E228K has been observed in cases with relevant disease (PMID: 26666653, 32668217, 40944239). Relevant functional assessments of this variant are not available in the literature. E228K has been observed in referenced population frequency databases. In summary, NM_000277.1(PAH):c.682G>A(E228K) is a missense variant that has been observed more frequently in cases with the relevant disease than in healthy populations. Please note: this variant was assessed in the context of healthy population screening.

Blueprint Genetics
Classification: Pathogenic for PAH-related disorders. Last evaluated: 2024-01-26. Review status: criteria provided, single submitter. Criteria: ACMG Guidelines, 2015. Collection method: clinical testing. Allele origin: germline. Affected: yes. Observed: 4 variant alleles. Not counted in ClinVar's aggregate classification.

Labcorp Genetics (formerly Invitae), Labcorp
Classification: Pathogenic for Phenylketonuria. Last evaluated: 2023-08-23. Review status: criteria provided, single submitter. Criteria: Invitae Variant Classification Sherloc (09022015). Collection method: clinical testing. Allele origin: germline. Not counted in ClinVar's aggregate classification.
Comment: For these reasons, this variant has been classified as Pathogenic. This variant disrupts the p.Glu228 amino acid residue in PAH. Other variant(s) that disrupt this residue have been observed in individuals with PAH-related conditions (PMID: 28982351), which suggests that this may be a clinically significant amino acid residue. Advanced modeling of protein sequence and biophysical properties (such as structural, functional, and spatial information, amino acid conservation, physicochemical variation, residue mobility, and thermodynamic stability) performed at Invitae indicates that this missense variant is not expected to disrupt PAH protein function. ClinVar contains an entry for this variant (Variation ID: 120284). This missense change has been observed in individual(s) with phenylketonuria (PMID: 26666653, 32668217; Invitae; BIOPKU). This variant is present in population databases (rs281865444, gnomAD 0.003%). This sequence change replaces glutamic acid, which is acidic and polar, with lysine, which is basic and polar, at codon 228 of the PAH protein (p.Glu228Lys).

PreventionGenetics, part of Exact Sciences
Classification: Uncertain significance for PAH-related condition. Last evaluated: 2023-03-20. Review status: criteria provided, single submitter. Criteria: ACMG Guidelines, 2015. Collection method: clinical testing. Allele origin: germline. Not counted in ClinVar's aggregate classification.
Comment: The PAH c.682G>A variant is predicted to result in the amino acid substitution p.Glu228Lys. This variant, along with another variant in PAH, has been reported in an individual with phenylketonuria (Table 1, Jeannesson-Thivisol et al. 2015. PubMed ID: 26666653) and was reported in a study of individuals with phenylketonuria, however no additional information was provided (Table S2, Hillert et al. 2020. PubMed ID: 32668217). Another variant impacting the same amino acid has been reported in a study of individuals with phenylketonuria [c.6847A>C (p.Glu228Asp), Additional File 2, Liu et al. 2017. PubMed ID: 28982351]. The c.682G>A (p.Glu228Lys) variant is reported in 0.0029% of alleles in individuals of Latino descent in gnomAD and is interpreted as uncertain in ClinVar by a ClinGen expert panel. While this variant may be causative, at this time, the clinical significance of this variant is uncertain due to the absence of conclusive functional and genetic evidence.

Inserm U 954, Faculté de Médecine de Nancy
Classification: Likely pathogenic for Phenylketonuria. Review status: no assertion criteria provided. Collection method: not provided. Allele origin: unknown. Not counted in ClinVar's aggregate classification.
ClinVar note: Converted during submission from probable-pathogenic to Likely pathogenic.

Literature cited by the submitters: PubMed 26666653 (cited by 3 submitters); PubMed 32668217 (cited by Myriad Genetics, Inc. and Labcorp Genetics (formerly Invitae), Labcorp); PubMed 40944239 (cited by Myriad Genetics, Inc.); PubMed 28982351 (cited by Labcorp Genetics (formerly Invitae), Labcorp).

NM_000277.3(PAH):c.682G>A (p.Glu228Lys)

Gene: PAH (phenylalanine hydroxylase; minus strand). Cytogenetic location: 12q23.2.
Variant type: single nucleotide variant.
Coding change: c.682G>A on transcript NM_000277.3 (MANE Select); coding-DNA position 682, G replaced by A.
Protein change: p.Glu228Lys; replaces glutamic acid 228 with lysine.
Molecular consequence: missense variant.
Genome position (GRCh38, 1-based): chr12:102,855,160, C>T on the plus strand (G>A on the coding strand, the complement: PAH is on the minus strand). VCF-style: chr12-102855160-C-T. GRCh37 (hg19) VCF-style: chr12-103248938-C-T.
Other names: c.682G>A, p.Glu228Lys (NM_001354304.2); short protein forms E228K.
Identifiers: ClinVar variation 120284 (VCV000120284.9), dbSNP rs281865444, ClinGen allele CA267669.
Genomic context (GRCh38, chr12:102,855,160, plus strand): 5'-CTTTCTGCAGGGCCATTGACCCTGATGTGGACTTACTCTGCAGGAACTGAGAAACGTCTT[C>T]CAGCTGGGGAATGTTATCTTCATGGAAGCCACAGTACTTTTCAAGAAGTGGAAAAATGTG-3'
Protein context (NP_000268.1, residues 218-238): GFHEDNIPQL[Glu228Lys]DVSQFLQTCT